The following is an entry in ClinVar:

NM_170606.3(KMT2C):c.3583C>G (p.Pro1195Ala)

Gene: KMT2C (lysine methyltransferase 2C; minus strand). Cytogenetic location: 7q36.1.
Variant type: single nucleotide variant.
Coding change: c.3583C>G on transcript NM_170606.3 (MANE Select); coding-DNA position 3583, C replaced by G.
Protein change: p.Pro1195Ala; replaces proline 1195 with alanine.
Molecular consequence: missense variant.
Genome position (GRCh38, 1-based): chr7:152,220,652, G>C on the plus strand (C>G on the coding strand, the complement: KMT2C is on the minus strand). VCF-style: chr7-152220652-G-C. GRCh37 (hg19) VCF-style: chr7-151917737-G-C.
Other names: short protein forms P1195A.
Identifiers: ClinVar variation 3600640 (VCV003600640.1).

ClinVar aggregate classification (germline): Uncertain significance (1 of 4 stars; one submission).

Submission:

GeneDx
Classification: Uncertain significance. Last evaluated: 2024-07-25. Review status: criteria provided, single submitter. Criteria: GeneDx Variant Classification Process June 2021. Collection method: clinical testing. Allele origin: germline. Affected: yes.
Comment: Not observed at significant frequency in large population cohorts (gnomAD); In silico analysis supports that this missense variant has a deleterious effect on protein structure/function; Has not been previously published as pathogenic or benign to our knowledge